The following is an entry in ClinVar:

ClinVar aggregate classification (germline): Benign. Review status: criteria provided, multiple submitters, no conflicts (2 of 4 stars). 3 submissions from 3 submitters: Benign (3). Last evaluated 2024-01-24.

Allele frequency attached by ClinVar (database versions not stated): gnomAD exomes 0.98825 and 0.98885; TOPMed 0.98831; ExAC 0.98906; ESP Exome Variant Server 0.98969; gnomAD 0.98988 and 0.99017; 1000 Genomes Project 0.99221; 1000 Genomes Project 30x 0.99266.
gnomAD v4.1: 1,580,381 of 1,598,382 alleles (99%); highest among the groups gnomAD compares: East Asian, 100%; 781,392 homozygotes.

Submissions (3):

Unidad de Genómica Garrahan, Hospital de Pediatría Garrahan
Classification: Benign. Last evaluated: 2024-01-24. Review status: criteria provided, single submitter. Criteria: ACMG Guidelines, 2015. Collection method: clinical testing. Allele origin: germline. Affected: no. Observed: 95 variant alleles.
Comment: This variant is classified as Benign based on local population frequency. This variant was detected in 100% of patients studied by a panel of primary immunodeficiencies. Number of patients: 95. Only high quality variants are reported.

GeneDx
Classification: Benign. Last evaluated: 2018-11-11. Review status: criteria provided, single submitter. Criteria: GeneDx Variant Classification Process June 2021. Collection method: clinical testing. Allele origin: germline. Affected: yes.

Breakthrough Genomics
Classification: Benign. Review status: criteria provided, single submitter. Criteria: ACMG Guidelines, 2015. Collection method: not provided. Allele origin: germline. Inheritance: Autosomal recessive inheritance. Affected: yes.

NM_025099.6(CTC1):c.1077+49T>C

Gene: CTC1 (CST telomere replication complex component 1; minus strand). Cytogenetic location: 17p13.1.
Variant type: single nucleotide variant.
Coding change: c.1077+49T>C on transcript NM_025099.6 (MANE Select); 49 bases into the intron after coding-DNA position 1077, T replaced by C.
Molecular consequence: intron variant.
Genome position (GRCh38, 1-based): chr17:8,236,009, A>G on the plus strand (T>C on the coding strand, the complement: CTC1 is on the minus strand). VCF-style: chr17-8236009-A-G. GRCh37 (hg19) VCF-style: chr17-8139327-A-G.
Identifiers: ClinVar variation 1262805 (VCV001262805.5), dbSNP rs4791626, ClinGen allele CA8372475.
Genomic context (GRCh38, chr17:8,236,009, plus strand): 5'-GTGACTGCTCCCTGCAAACAGGCCGAGGTCCAGTTGACCACTATTTTCTTCCTCTTTGAA[A>G]ACCCACATTTCTGGCCCCTCAAGCTCTAGGATCTCTCCCTGTGCTCACCGAATAGGATAG-3'